The following is an entry in ClinVar:

ClinVar aggregate classification (germline): Benign/Likely benign. Review status: criteria provided, multiple submitters, no conflicts (2 of 4 stars). 5 submissions from 5 submitters: Benign (1); Likely benign (4). Last evaluated 2026-06-16.

Conditions:
PDGFRA-related disorder. Also called: PDGFRA-related condition.
Hereditary cancer-predisposing syndrome. Also called: Hereditary neoplastic syndrome; Neoplastic Syndromes, Hereditary; Hereditary Cancer Syndrome; Tumor predisposition. Identifiers: Orphanet 140162, MedGen C0027672, MeSH D009386, MONDO:0015356.
Gastrointestinal stromal tumor. Also called: Gastrointestinal stromal tumor, somatic; Gastrointestinal stroma tumor. Identifiers: Orphanet 44890, MedGen C0238198, MeSH D046152, MONDO:0011719, OMIM 606764, HP:0100723.
Polyps, multiple and recurrent inflammatory fibroid, gastrointestinal. Identifiers: MedGen C5193005, MONDO:0008285, OMIM 175510.

Allele frequency attached by ClinVar (database versions not stated): gnomAD 0.00003; TOPMed 0.00005; ESP Exome Variant Server 0.00015.
gnomAD v4.1: 32 of 1,613,850 alleles (0.002%); highest among the groups gnomAD compares: African/African-American, 0.019%; no homozygotes.

Submissions (5):

Myriad Genetics, Inc.
Classification: Benign for Polyps, multiple and recurrent inflammatory fibroid, gastrointestinal. Last evaluated: 2026-06-16. Review status: criteria provided, single submitter. Criteria: Myriad Autosomal Dominant, Autosomal Recessive and X-Linked Classification Criteria (2023). Collection method: clinical testing. Allele origin: unknown.
Comment: This variant is considered benign. This variant is a silent/synonymous amino acid change and it is not expected to impact splicing.

Labcorp Genetics (formerly Invitae), Labcorp
Classification: Likely benign for Gastrointestinal stromal tumor. Last evaluated: 2025-11-24. Review status: criteria provided, single submitter. Criteria: Invitae Variant Classification Sherloc (09022015). Collection method: clinical testing. Allele origin: germline.

PreventionGenetics, part of Exact Sciences
Classification: Likely benign for PDGFRA-related condition. Last evaluated: 2025-03-22. Review status: criteria provided, single submitter. Criteria: ACMG Guidelines, 2015. Collection method: clinical testing. Allele origin: germline.
Comment: This variant is classified as likely benign based on ACMG/AMP sequence variant interpretation guidelines (Richards et al. 2015 PMID: 25741868, with internal and published modifications).

CeGaT Center for Human Genetics Tuebingen
Classification: Likely benign. Last evaluated: 2025-03-01. Review status: criteria provided, single submitter. Criteria: CeGaT Center For Human Genetics Tuebingen Variant Classification Criteria Version 2. Collection method: clinical testing. Allele origin: germline. Affected: yes. Observed: 1 variant allele.
Comment: PDGFRA: BP4, BP7

Ambry Genetics
Classification: Likely benign for Hereditary cancer-predisposing syndrome. Last evaluated: 2020-02-11. Review status: criteria provided, single submitter. Criteria: Ambry Variant Classification Scheme 2023. Collection method: clinical testing. Allele origin: germline.

NM_006206.6(PDGFRA):c.1263C>T (p.Val421=)

Gene: PDGFRA (platelet derived growth factor receptor alpha; plus strand). Cytogenetic location: 4q12.
Variant type: single nucleotide variant.
Coding change: c.1263C>T on transcript NM_006206.6 (MANE Select); coding-DNA position 1263, C replaced by T.
Protein change: p.Val421=; no amino-acid change (valine 421 retained).
Molecular consequence: synonymous variant.
Genome position (GRCh38, 1-based): chr4:54,272,419, C>T. VCF-style: chr4-54272419-C-T. GRCh37 (hg19) VCF-style: chr4-55138586-C-T.
Other names: c.1263C>T, p.Val421= (NM_001347827.2, NM_001347829.2); c.1338C>T, p.Val446= (NM_001347828.2); c.1302C>T, p.Val434= (NM_001347830.2); c.1263C>T (NM_006206.5).
Identifiers: ClinVar variation 458992 (VCV000458992.22), dbSNP rs376486197, ClinGen allele CA2922505.